The following is an entry in ClinVar:

NM_001384474.1(LOXHD1):c.674_683del (p.Leu225fs)

Gene: LOXHD1 (lipoxygenase homology PLAT domains 1; minus strand). Cytogenetic location: 18q21.1.
Variant type: Deletion.
Coding change: c.674_683del on transcript NM_001384474.1 (MANE Select); coding-DNA positions 674 to 683, 10 bases deleted (TGGATGCCCC; older notation c.674_683delTGGATGCCCC).
Protein change: p.Leu225fs; shifts the reading frame from leucine 225.
Molecular consequence: frameshift variant.
Genome position (GRCh38, 1-based): chr18:46,610,852-46,610,861, GGGGCATCCA deleted on the plus strand (TGGATGCCCC on the coding strand, the reverse complement: LOXHD1 is on the minus strand); deleting any 10 consecutive bases within chr18:46,610,852-46,610,863 gives the same sequence; the c. name uses the placement nearest the transcript's 3' end. VCF-style (leftmost placement, unchanged base first): chr18-46610851-CGGGGCATCCA-C. GRCh37 (hg19) VCF-style: chr18-44190814-CGGGGCATCCA-C.
Other names: c.674_683del, p.Leu225fs (NM_144612.7); short protein forms L225fs.
Identifiers: ClinVar variation 1451546 (VCV001451546.6), dbSNP rs2144311846, ClinGen allele CA2573155305.

ClinVar aggregate classification (germline): Pathogenic (1 of 4 stars; one submission).

Submission:

Labcorp Genetics (formerly Invitae), Labcorp
Classification: Pathogenic. Last evaluated: 2021-07-31. Review status: criteria provided, single submitter. Criteria: Invitae Variant Classification Sherloc (09022015). Collection method: clinical testing. Allele origin: germline.
Comment: For these reasons, this variant has been classified as Pathogenic. This variant has not been reported in the literature in individuals affected with LOXHD1-related conditions. This variant is not present in population databases (ExAC no frequency). This sequence change creates a premature translational stop signal (p.Leu225Argfs*6) in the LOXHD1 gene. It is expected to result in an absent or disrupted protein product. Loss-of-function variants in LOXHD1 are known to be pathogenic (PMID: 19732867, 21465660, 25792669).

Literature cited by the submitters: PubMed 19732867; PubMed 21465660; PubMed 25792669.